The following is an entry in ClinVar:

ClinVar aggregate classification (germline): Uncertain significance (1 of 4 stars; one submission).

Conditions:
Charcot-Marie-Tooth disease axonal type 2Z. Also called: CHARCOT-MARIE-TOOTH DISEASE, AXONAL, AUTOSOMAL DOMINANT, TYPE 2Z; CHARCOT-MARIE-TOOTH NEUROPATHY, TYPE 2Z. Identifiers: Orphanet 466768, MedGen C5569025, MONDO:0014736, OMIM 616688.

Allele frequency attached by ClinVar (database versions not stated): gnomAD exomes below 0.00001.

Submission:

Labcorp Genetics (formerly Invitae), Labcorp
Classification: Uncertain significance for Charcot-Marie-Tooth disease axonal type 2Z. Last evaluated: 2022-09-06. Review status: criteria provided, single submitter. Criteria: Invitae Variant Classification Sherloc (09022015). Collection method: clinical testing. Allele origin: germline.
Comment: This sequence change replaces phenylalanine, which is neutral and non-polar, with tyrosine, which is neutral and polar, at codon 764 of the MORC2 protein (p.Phe764Tyr). This variant is not present in population databases (gnomAD no frequency). This variant has not been reported in the literature in individuals affected with MORC2-related conditions. Advanced modeling of protein sequence and biophysical properties (such as structural, functional, and spatial information, amino acid conservation, physicochemical variation, residue mobility, and thermodynamic stability) performed at Invitae indicates that this missense variant is not expected to disrupt MORC2 protein function. In summary, the available evidence is currently insufficient to determine the role of this variant in disease. Therefore, it has been classified as a Variant of Uncertain Significance.

NM_001303256.3(MORC2):c.2291T>A (p.Phe764Tyr)

Gene: MORC2 (MORC family CW-type zinc finger 2; minus strand). Cytogenetic location: 22q12.2.
Variant type: single nucleotide variant.
Coding change: c.2291T>A on transcript NM_001303256.3 (MANE Select); coding-DNA position 2291, T replaced by A.
Protein change: p.Phe764Tyr; replaces phenylalanine 764 with tyrosine.
Molecular consequence: missense variant.
Genome position (GRCh38, 1-based): chr22:30,934,094, A>T on the plus strand (T>A on the coding strand, the complement: MORC2 is on the minus strand). VCF-style: chr22-30934094-A-T. GRCh37 (hg19) VCF-style: chr22-31330081-A-T.
Other names: c.2291T>A, p.Phe764Tyr (NM_001303257.2); c.2105T>A, p.Phe702Tyr (NM_014941.3); short protein forms F702Y, F764Y.
Identifiers: ClinVar variation 1713857 (VCV001713857.6), dbSNP rs2040617900, ClinGen allele CA411234112.